The following is an entry in ClinVar:

ClinVar aggregate classification (germline): Likely benign. Review status: criteria provided, single submitter (1 of 4 stars). 2 submissions from 2 submitters: Likely benign (1). 1 of the submissions does not count toward it. Last evaluated 2025-08-31.

Conditions:
PLXNA1-related disorder. Also called: PLXNA1-related condition.

Allele frequency attached by ClinVar (database versions not stated): gnomAD 0.00003; gnomAD exomes 0.00003; TOPMed 0.00003; ExAC 0.00004; ESP Exome Variant Server 0.00008.

Submissions (2):

Labcorp Genetics (formerly Invitae), Labcorp
Classification: Likely benign. Last evaluated: 2025-08-31. Review status: criteria provided, single submitter. Criteria: Invitae Variant Classification Sherloc (09022015). Collection method: clinical testing. Allele origin: germline.

PreventionGenetics, part of Exact Sciences
Classification: Likely benign for PLXNA1-related condition. Last evaluated: 2021-10-21. Review status: no assertion criteria provided. Collection method: clinical testing. Allele origin: germline. Not counted in ClinVar's aggregate classification.
Comment: This variant is classified as likely benign based on ACMG/AMP sequence variant interpretation guidelines (Richards et al. 2015 PMID: 25741868, with internal and published modifications).

NM_032242.4(PLXNA1):c.4710C>T (p.Asp1570=)

Gene: PLXNA1 (plexin A1; plus strand). Cytogenetic location: 3q21.3.
Variant type: single nucleotide variant.
Coding change: c.4710C>T on transcript NM_032242.4 (MANE Select); coding-DNA position 4710, C replaced by T.
Protein change: p.Asp1570=; no amino-acid change (aspartic acid 1570 retained).
Molecular consequence: synonymous variant.
Genome position (GRCh38, 1-based): chr3:127,029,033, C>T. VCF-style: chr3-127029033-C-T. GRCh37 (hg19) VCF-style: chr3-126747876-C-T.
Identifiers: ClinVar variation 3029746 (VCV003029746.3), dbSNP rs138921322, ClinGen allele CA2594474.